The following is an entry in ClinVar:

NM_000053.4(ATP7B):c.1665C>A (p.Val555=)

Gene: ATP7B (ATPase copper transporting beta; minus strand). Cytogenetic location: 13q14.3.
Variant type: single nucleotide variant.
Coding change: c.1665C>A on transcript NM_000053.4 (MANE Select); coding-DNA position 1665, C replaced by A.
Protein change: p.Val555=; no amino-acid change (valine 555 retained).
Molecular consequence: synonymous variant. On other transcripts: intron variant (1).
Genome position (GRCh38, 1-based): chr13:51,968,486, G>T on the plus strand (C>A on the coding strand, the complement: ATP7B is on the minus strand). VCF-style: chr13-51968486-G-T. GRCh37 (hg19) VCF-style: chr13-52542622-G-T.
Other names: c.1665C>A, p.Val555= (NM_001005918.3, NM_001330578.2, NM_001330579.2 and 26 more transcripts); c.1332C>A, p.Val444= (NM_001243182.2); c.1632C>A, p.Val544= (NM_001406514.1, NM_001406524.1); c.1569C>A, p.Val523= (NM_001406517.1, NM_001406518.1, NM_001406530.1 and 3 more transcripts); c.1236C>A, p.Val412= (NM_001406539.1); c.1285+5449C>A (NM_001406548.1).
Identifiers: ClinVar variation 1904784 (VCV001904784.6), dbSNP rs2547778036, ClinGen allele CA483897760.
Genomic context (GRCh38, chr13:51,968,486, plus strand): 5'-CGCACCCACAGTACTTACTGTCAGCTCAATGTTGCCATCGGAGCCTGCGTAGTCCTCCAT[G>T]ACTGCTGCCTCAAAACCCAGGTCCTGGATGAACTGAGCTATCTCGAGGGGCTGGATGACC-3'
Protein context (NP_000044.2, residues 545-565): FIQDLGFEAA[Val555=]MEDYAGSDGN

ClinVar aggregate classification (germline): Likely benign. Review status: criteria provided, multiple submitters, no conflicts (2 of 4 stars). 2 submissions from 2 submitters: Likely benign (2). Last evaluated 2024-07-29.

Conditions:
Wilson disease (WND). Also called: Wilson's disease. Identifiers: Orphanet 905, MedGen C0019202, MONDO:0010200, OMIM 277900. Disease mechanism: loss of function.

Submissions (2):

All of Us Research Program, National Institutes of Health
Classification: Likely benign for Wilson disease. Last evaluated: 2024-07-29. Review status: criteria provided, single submitter. Criteria: ACMG Guidelines, 2015. Collection method: clinical testing. Allele origin: germline. Inheritance: Autosomal recessive inheritance. Observed: 1 variant allele, 1 heterozygote.
Comment: This study involves interpretation of variants in research participants for the purpose of population health screening. Participant phenotype was not available at the time of variant classification. Additional details can be found in publication PMID: 35346344, PMCID: PMC8962531

Labcorp Genetics (formerly Invitae), Labcorp
Classification: Likely benign for Wilson disease. Last evaluated: 2022-07-31. Review status: criteria provided, single submitter. Criteria: Invitae Variant Classification Sherloc (09022015). Collection method: clinical testing. Allele origin: germline.